The following is an entry in ClinVar:

ClinVar aggregate classification (germline): Likely pathogenic (1 of 4 stars; one submission).

Submission:

Labcorp Genetics (formerly Invitae), Labcorp
Classification: Likely pathogenic. Last evaluated: 2024-01-11. Review status: criteria provided, single submitter. Criteria: Invitae Variant Classification Sherloc (09022015). Collection method: clinical testing. Allele origin: germline.
Comment: This sequence change replaces glycine, which is neutral and non-polar, with serine, which is neutral and polar, at codon 810 of the COL2A1 protein (p.Gly810Ser). This variant is not present in population databases (gnomAD no frequency). This variant has not been reported in the literature in individuals affected with COL2A1-related conditions. Advanced modeling of protein sequence and biophysical properties (such as structural, functional, and spatial information, amino acid conservation, physicochemical variation, residue mobility, and thermodynamic stability) performed at Invitae indicates that this missense variant is expected to disrupt COL2A1 protein function with a positive predictive value of 95%. This variant disrupts the triple helix domain of COL2A1. Glycine residues within the Gly-Xaa-Yaa repeats of the triple helix domain are required for the structure and stability of fibrillar collagens (PMID: 7695699, 8218237, 19344236). In COL2A1, variants affecting these glycine residues are significantly enriched in individuals with disease (PMID: 9016532, 17078022) compared to the general population (ExAC). In summary, the currently available evidence indicates that the variant is pathogenic, but additional data are needed to prove that conclusively. Therefore, this variant has been classified as Likely Pathogenic.

Literature cited by the submitters: PubMed 7695699; PubMed 8218237; PubMed 19344236; PubMed 9016532; PubMed 17078022.

NM_001844.5(COL2A1):c.2428G>A (p.Gly810Ser)

Gene: COL2A1 (collagen type II alpha 1 chain; minus strand). Cytogenetic location: 12q13.11.
Variant type: single nucleotide variant.
Coding change: c.2428G>A on transcript NM_001844.5 (MANE Select); coding-DNA position 2428, G replaced by A.
Protein change: p.Gly810Ser; replaces glycine 810 with serine.
Molecular consequence: missense variant.
Genome position (GRCh38, 1-based): chr12:47,981,378, C>T on the plus strand (G>A on the coding strand, the complement: COL2A1 is on the minus strand). VCF-style: chr12-47981378-C-T. GRCh37 (hg19) VCF-style: chr12-48375161-C-T.
Other names: c.2221G>A, p.Gly741Ser (NM_033150.3); short protein forms G810S, G741S.
Identifiers: ClinVar variation 2706137 (VCV002706137.3), dbSNP rs794727596, ClinGen allele CA384545258.